The following is an entry in ClinVar:

NM_182961.4(SYNE1):c.12194C>G (p.Pro4065Arg)

Gene: SYNE1 (spectrin repeat containing nuclear envelope protein 1; minus strand). Cytogenetic location: 6q25.2.
Variant type: single nucleotide variant.
Coding change: c.12194C>G on transcript NM_182961.4 (MANE Select); coding-DNA position 12194, C replaced by G.
Protein change: p.Pro4065Arg; replaces proline 4065 with arginine.
Molecular consequence: missense variant.
Genome position (GRCh38, 1-based): chr6:152,344,112, G>C on the plus strand (C>G on the coding strand, the complement: SYNE1 is on the minus strand). VCF-style: chr6-152344112-G-C. GRCh37 (hg19) VCF-style: chr6-152665247-G-C.
Other names: c.11981C>G, p.Pro3994Arg (NM_033071.5); short protein forms P3994R, P4065R.
Identifiers: ClinVar variation 2194649 (VCV002194649.5), dbSNP rs1404311282, ClinGen allele CA366111833.
Genomic context (GRCh38, chr6:152,344,112, plus strand): 5'-AATAACACAAACTTTCAGGAGTTTACTACCTGCTTAATGGCTTCTGCCCTACTAAGAGGT[G>C]GTTGAGGACTTGGCTCTAAATCCGGCTGGACTGCAGAAAGCCAGGCCTGGCACTGCTGCA-3'
Protein context (NP_892006.3, residues 4055-4075): VQPDLEPSPQ[Pro4065Arg]PLSRAEAIKQ

ClinVar aggregate classification (germline): Uncertain significance. Review status: criteria provided, multiple submitters, no conflicts (2 of 4 stars). 2 submissions from 2 submitters: Uncertain significance (2). Last evaluated 2023-09-01.

Conditions:
Emery-Dreifuss muscular dystrophy 4, autosomal dominant (EDMD4). Also called: EMERY-DREIFUSS MUSCULAR DYSTROPHY 4 WITH VARIABLE FEATURES. Identifiers: Orphanet 261, MedGen C2751807, MONDO:0013071, OMIM 612998.
Autosomal recessive ataxia, Beauce type. Also called: Spinocerebellar ataxia, autosomal recessive 8; ATAXIA, RECESSIVE, OF BEAUCE; SYNE1-Related Autosomal Recessive Cerebellar Ataxia; SYNE1 Deficiency. Identifiers: Orphanet 88644, MedGen C1853116, MONDO:0012549, OMIM 610743.
SYNE1-related disorder. Also called: SYNE1-related disorders; SYNE1-related disease; SYNE1-related condition.

Allele frequency attached by ClinVar (database versions not stated): gnomAD exomes below 0.00001.
gnomAD v4.1: 4 of 1,614,208 alleles (0.00025%); highest among the groups gnomAD compares: South Asian, 0.0011%; no homozygotes.

Submissions (2):

PreventionGenetics, part of Exact Sciences
Classification: Uncertain significance for SYNE1-related condition. Last evaluated: 2023-09-01. Review status: criteria provided, single submitter. Criteria: ACMG Guidelines, 2015. Collection method: clinical testing. Allele origin: germline.
Comment: The SYNE1 c.11981C>G variant is predicted to result in the amino acid substitution p.Pro3994Arg. To our knowledge, this variant has not been reported in the literature or in a large population database, indicating this variant is rare. At this time, the clinical significance of this variant is uncertain due to the absence of conclusive functional and genetic evidence.

Labcorp Genetics (formerly Invitae), Labcorp
Classification: Uncertain significance for Emery-Dreifuss muscular dystrophy 4, autosomal dominant; Autosomal recessive ataxia, Beauce type. Last evaluated: 2022-05-11. Review status: criteria provided, single submitter. Criteria: Invitae Variant Classification Sherloc (09022015). Collection method: clinical testing. Allele origin: germline.
Comment: This variant is not present in population databases (gnomAD no frequency). This sequence change replaces proline, which is neutral and non-polar, with arginine, which is basic and polar, at codon 3994 of the SYNE1 protein (p.Pro3994Arg). This variant has not been reported in the literature in individuals affected with SYNE1-related conditions. In summary, the available evidence is currently insufficient to determine the role of this variant in disease. Therefore, it has been classified as a Variant of Uncertain Significance. Algorithms developed to predict the effect of missense changes on protein structure and function (SIFT, PolyPhen-2, Align-GVGD) all suggest that this variant is likely to be disruptive.